The following is an entry in ClinVar:

ClinVar aggregate classification (germline): Uncertain significance (1 of 4 stars; one submission).

gnomAD v4.1: 2 of 1,613,866 alleles (0.00012%); highest among the groups gnomAD compares: Non-Finnish European, 0.000085%; no homozygotes.

Submission:

Labcorp Genetics (formerly Invitae), Labcorp
Classification: Uncertain significance. Last evaluated: 2022-10-05. Review status: criteria provided, single submitter. Criteria: Invitae Variant Classification Sherloc (09022015). Collection method: clinical testing. Allele origin: germline.
Comment: This sequence change replaces isoleucine, which is neutral and non-polar, with valine, which is neutral and non-polar, at codon 459 of the FZD4 protein (p.Ile459Val). This variant is not present in population databases (gnomAD no frequency). This variant has not been reported in the literature in individuals affected with FZD4-related conditions. ClinVar contains an entry for this variant (Variation ID: 1397351). Advanced modeling of protein sequence and biophysical properties (such as structural, functional, and spatial information, amino acid conservation, physicochemical variation, residue mobility, and thermodynamic stability) performed at Invitae indicates that this missense variant is not expected to disrupt FZD4 protein function. Algorithms developed to predict the effect of sequence changes on RNA splicing suggest that this variant may create or strengthen a splice site. In summary, the available evidence is currently insufficient to determine the role of this variant in disease. Therefore, it has been classified as a Variant of Uncertain Significance.

NM_012193.4(FZD4):c.1375A>G (p.Ile459Val)

Genes: FZD4 (frizzled class receptor 4; minus strand), PRSS23 (serine protease 23; plus strand). Cytogenetic location: 11q14.2.
Variant type: single nucleotide variant.
Coding change: c.1375A>G on transcript NM_012193.4 (MANE Select); coding-DNA position 1375, A replaced by G.
Protein change: p.Ile459Val; replaces isoleucine 459 with valine.
Molecular consequence: missense variant. On other transcripts: non-coding transcript variant (2).
Genome position (GRCh38, 1-based): chr11:86,951,381, T>C on the plus strand (A>G on the coding strand, the complement: FZD4 is on the minus strand). VCF-style: chr11-86951381-T-C. GRCh37 (hg19) VCF-style: chr11-86662423-T-C.
Other names: short protein forms I459V.
Identifiers: ClinVar variation 1397351 (VCV001397351.6), dbSNP rs1252071666, ClinGen allele CA382011470.
Genomic context (GRCh38, chr11:86,951,381, plus strand): 5'-ACATTTCAACAGCCATGTTGGAATCATCTGCAGAATACCGAAAAAGTGCCCAGTTGGAGA[T>C]TTCATAAAAATAACAGGCAATCACACACGTTGCAGGAACTGTGTACAGTACTGAGAACAC-3'
Protein context (NP_036325.2, residues 449-469): TCVIACYFYE[Ile459Val]SNWALFRYSA